The following is an entry in ClinVar:

ClinVar aggregate classification (germline): Pathogenic (1 of 4 stars; one submission).

Conditions:
Tay-Sachs disease (TSD). Also called: HEXA DEFICIENCY; GM2 gangliosidosis, type 1; Hexosaminidase alpha-subunit deficiency (variant B); Sphingolipidosis, Tay-Sachs; Hexosaminidase A Deficiency; HEXA Disorders. Identifiers: Orphanet 845, MedGen C0039373, MONDO:0010100, OMIM 272800.

Submission:

Myriad Genetics, Inc.
Classification: Pathogenic for Tay-Sachs disease. Last evaluated: 2026-08-06. Review status: criteria provided, single submitter. Criteria: Myriad Autosomal Dominant, Autosomal Recessive and X-Linked Classification Criteria (2023). Collection method: clinical testing. Allele origin: unknown.
Comment: NM_000520.4(HEXA):c.234_235delGC(W78Cfs*27) is expected to be pathogenic in the context of hexosaminidase A deficiency. This variant is predicted to lead to an abnormal or absent protein product due to the creation of a premature termination codon in HEXA, a gene where loss-of-function variants are known to be pathogenic. Please note: this variant was assessed in the context of healthy population screening.

NM_000520.6(HEXA):c.234_235del (p.Trp78fs)

Gene: HEXA (hexosaminidase subunit alpha; minus strand). Cytogenetic location: 15q23.
Variant type: Deletion.
Coding change: c.234_235del on transcript NM_000520.6 (MANE Select); coding-DNA positions 234 to 235, 2 bases deleted (GC; older notation c.234_235delGC).
Protein change: p.Trp78fs; shifts the reading frame from tryptophan 78.
Molecular consequence: frameshift variant. On other transcripts: non-coding transcript variant (1).
Genome position (GRCh38, 1-based): chr15:72,375,738-72,375,739, GC deleted on the plus strand (GC on the coding strand, the reverse complement: HEXA is on the minus strand). VCF-style (leftmost placement, unchanged base first): chr15-72375737-GGC-G. GRCh37 (hg19) VCF-style: chr15-72668078-GGC-G.
Other names: c.234_235del, p.Trp78fs (NM_001318825.2); short protein forms W78fs.
Identifiers: ClinVar variation 5016202 (VCV005016202.1).